The following is an entry in ClinVar:

ClinVar aggregate classification (germline): Likely pathogenic (1 of 4 stars; one submission).

Conditions:
Retinitis pigmentosa 2 (RP2). Also called: Retinitis pigmentosa 2, X linked. Identifiers: Orphanet 791, MedGen C2681923, MONDO:0010723, OMIM 312600.

Submission:

Molecular Medicine Center, Medical University of Sofia
Classification: Likely pathogenic for Retinitis pigmentosa 2. Last evaluated: 2025-02-07. Review status: criteria provided, single submitter. Criteria: ACMG Guidelines, 2015. Collection method: research. Allele origin: germline. Affected: yes.
Comment: Variant is classified as likely pathogenic according to the ACMG criteria: PVS1, PM2.

NM_006915.3(RP2):c.970-51_*1del

Gene: RP2 (RP2 activator of ARL3 GTPase; plus strand). Cytogenetic location: Xp11.3.
Variant type: Deletion.
Coding change: c.970-51_*1del on transcript NM_006915.3 (MANE Select); 51 bases into the intron before coding-DNA position 970 through 1 bases downstream of the stop codon, 136 bases deleted.
Molecular consequence: splice acceptor variant.
Genome position (GRCh38, 1-based): chrX:46,879,635-46,879,770, 136 bases deleted. GRCh37 (hg19): chrX:46,739,070-46,739,205.
Other names: c.970-52_1053del (NM_006915.3).
Identifiers: ClinVar variation 3731278 (VCV003731278.1).